The following is an entry in ClinVar:

ClinVar aggregate classification (germline): Uncertain significance. Review status: criteria provided, multiple submitters, no conflicts (2 of 4 stars). 2 submissions from 2 submitters: Uncertain significance (2). Last evaluated 2025-10-02.

Conditions:
Epidermolysis bullosa simplex with nail dystrophy (EBS5D). Identifiers: MedGen C4225309, MONDO:0014661, OMIM 616487.
Epidermolysis bullosa simplex 5B, with muscular dystrophy (EBS5B). Also called: EPIDERMOLYSIS BULLOSA SIMPLEX AND LIMB-GIRDLE MUSCULAR DYSTROPHY; Epidermolysis bullosa simplex with muscular dystrophy. Identifiers: Orphanet 257, MedGen C2931072, MONDO:0009181, OMIM 226670.
Epidermolysis bullosa simplex, Ogna type (EBS5A). Also called: Pidermolysis bullosa simplex 5A, Ogna type; EPIDERMOLYSIS BULLOSA SIMPLEX 5A, OGNA TYPE. Identifiers: Orphanet 79401, MedGen C0432317, MONDO:0007555, OMIM 131950.
Epidermolysis bullosa simplex 5C, with pyloric atresia (EBS5C). Also called: PLEC-Related Epidermolysis Bullosa with Pyloric Atresia; Epidermolysis bullosa simplex with pyloric atresia; PLEC1-Related Epidermolysis Bullosa with Pyloric Atresia. Identifiers: Orphanet 158684, MedGen C2677349, MONDO:0012807, OMIM 612138.
Autosomal recessive limb-girdle muscular dystrophy type 2Q (LGMDR17). Also called: MUSCULAR DYSTROPHY, LIMB-GIRDLE, AUTOSOMAL RECESSIVE 17. Identifiers: Orphanet 254361, MedGen C3150989, MONDO:0013390, OMIM 613723.
Inborn genetic diseases. Identifiers: MedGen C0950123, MeSH D030342.

Allele frequency attached by ClinVar (database versions not stated): ExAC 0.00001; gnomAD 0.00001; gnomAD exomes 0.00002; TOPMed 0.00003; ESP Exome Variant Server 0.00008.

Submissions (2):

Labcorp Genetics (formerly Invitae), Labcorp
Classification: Uncertain significance for Autosomal recessive limb-girdle muscular dystrophy type 2Q; Epidermolysis bullosa simplex, Ogna type; Epidermolysis bullosa simplex with nail dystrophy; Epidermolysis bullosa simplex 5C, with pyloric atresia; Epidermolysis bullosa simplex 5B, with muscular dystrophy. Last evaluated: 2025-10-02. Review status: criteria provided, single submitter. Criteria: Invitae Variant Classification Sherloc (09022015). Collection method: clinical testing. Allele origin: germline.
Comment: This sequence change replaces glutamic acid, which is acidic and polar, with lysine, which is basic and polar, at codon 4026 of the PLEC protein (p.Glu4026Lys). This variant is present in population databases (rs371575907, gnomAD 0.01%). This variant has not been reported in the literature in individuals affected with PLEC-related conditions. ClinVar contains an entry for this variant (Variation ID: 1025630). Invitae Evidence Modeling of protein sequence and biophysical properties (such as structural, functional, and spatial information, amino acid conservation, physicochemical variation, residue mobility, and thermodynamic stability) has been performed for this missense variant. However, the output from this modeling did not meet the statistical confidence thresholds required to predict the impact of this variant on PLEC protein function. In summary, the available evidence is currently insufficient to determine the role of this variant in disease. Therefore, it has been classified as a Variant of Uncertain Significance.

Ambry Genetics
Classification: Uncertain significance for Inborn genetic diseases. Last evaluated: 2024-02-27. Review status: criteria provided, single submitter. Criteria: Ambry Variant Classification Scheme 2023. Collection method: clinical testing. Allele origin: germline.

NM_201384.3(PLEC):c.11995G>A (p.Glu3999Lys)

Gene: PLEC (plectin; minus strand). Cytogenetic location: 8q24.3.
Variant type: single nucleotide variant.
Coding change: c.11995G>A on transcript NM_201384.3 (MANE Select); coding-DNA position 11995, G replaced by A.
Protein change: p.Glu3999Lys; replaces glutamic acid 3999 with lysine.
Molecular consequence: missense variant.
Genome position (GRCh38, 1-based): chr8:143,917,826, C>T on the plus strand (G>A on the coding strand, the complement: PLEC is on the minus strand). VCF-style: chr8-143917826-C-T. GRCh37 (hg19) VCF-style: chr8-144991994-C-T.
Other names: c.12076G>A, p.Glu4026Lys (NM_000445.5); c.11953G>A, p.Glu3985Lys (NM_201378.4); c.11929G>A, p.Glu3977Lys (NM_201379.3); c.12406G>A, p.Glu4136Lys (NM_201380.4); c.11899G>A, p.Glu3967Lys (NM_201381.3); c.11995G>A, p.Glu3999Lys (NM_201382.4); c.12007G>A, p.Glu4003Lys (NM_201383.3); c.12076G>A (NM_000445.3); short protein forms E3967K, E3977K, E3985K, E3999K, E4003K, E4026K, E4136K.
Identifiers: ClinVar variation 1025630 (VCV001025630.10), dbSNP rs371575907, ClinGen allele CA4924200.